The following is an entry in ClinVar:

NM_001347721.2(DYRK1A):c.536_538del (p.Lys179del)

Gene: DYRK1A (dual specificity tyrosine phosphorylation regulated kinase 1A; plus strand). Cytogenetic location: 21q22.13.
Variant type: Deletion.
Coding change: c.536_538del on transcript NM_001347721.2 (MANE Select); coding-DNA positions 536 to 538, 3 bases deleted (AAA; older notation c.536_538delAAA).
Protein change: p.Lys179del; deletes lysine 179.
Molecular consequence: inframe deletion.
Genome position (GRCh38, 1-based): chr21:37,486,513-37,486,515, AAA deleted; deleting any 3 consecutive bases within chr21:37,486,512-37,486,515 gives the same sequence; the c. name uses the placement nearest the transcript's 3' end. VCF-style (leftmost placement, unchanged base first): chr21-37486511-TAAA-T. GRCh37 (hg19) VCF-style: chr21-38858813-TAAA-T.
Other names: c.536_538del, p.Lys179del (NM_001347722.2, NM_130436.2); c.449_451del, p.Lys150del (NM_001347723.2); c.563_565del, p.Lys188del (NM_001396.5, NM_101395.2, NM_130438.2); short protein forms K150del, K179del, K188del.
Identifiers: ClinVar variation 916033 (VCV000916033.4), dbSNP rs2052872878, ClinGen allele CA1139666869.

ClinVar aggregate classification (germline): Likely pathogenic. Review status: criteria provided, multiple submitters, no conflicts (2 of 4 stars). 2 submissions from 2 submitters: Likely pathogenic (2). Last evaluated 2020-01-20.

Conditions:
DYRK1A-related intellectual disability syndrome (MRD7). Also called: Intellectual developmental disorder, autosomal dominant 7; DYRK1A Syndrome. Identifiers: Orphanet 464306, MedGen C5568143, MONDO:0013578, OMIM 614104.

Submissions (2):

Institute of Human Genetics, Clinical Exome/Genome Diagnostics Group, University Hospital Bonn
Classification: Likely pathogenic for DYRK1A-related intellectual disability syndrome. Last evaluated: 2020-01-20. Review status: criteria provided, single submitter. Criteria: ACMG Guidelines, 2015. Collection method: clinical testing. Allele origin: germline. Affected: yes.

Institute for Genomic Statistics and Bioinformatics, University Hospital Bonn
Classification: Likely pathogenic for DYRK1A-related intellectual disability syndrome. Review status: criteria provided, single submitter. Criteria: ACMG Guidelines, 2015. Collection method: clinical testing. Allele origin: de novo. Inheritance: Autosomal dominant inheritance. Affected: yes. Observed: 1 heterozygote.
Comment: The deleted amino acid is a highly conserved amino acid that is located in a tyrosine kinase domain. In population-related and phenotype-related databases, the variant is not listed. In the phenotype-related databases ClinVar and HGMD, a missense variant at the same amino acid position (c.563A> T; p.Lys188Ile) is recorded as likely pathogenic or pathogenic. In ClinVar, an in-frame deletion at position c.535_540del; p.Arg179_Val180del is also listed as likely to be pathogenic. The mutation prediction programs MutationTaster and PROVEAN estimate the variant found in the DYRK1A gene as pathogenic. To estimate a possible disruption of the splicing behavior due to the variant, we used various programs to predict splice points and splice enhancers using the Alamut software. The in-silica analysis gives no significant indication of a change in the splicing behavior. The ACMG classification of the variant is: probably pathogenic (Class 4: PS2, PM1, PM2, PP3). As an enzyme (protein kinase), the DYRK1A protein plays an important role in the differentiation, proliferation and survival of cells. Certain heterozygous variants in the DYRK1A gene have been associated with autosomal dominant mental retardation 7 (OMIM # 614104). This syndrome is characterized by developmental delays or reduced intelligence, autistic behavioral traits, stereotypes, microcephaly, seizures and dysmorphisms of the face and ears. Neonatal feeding disorders and cranial MRI abnormalities such as ventricular dilatation and corpus callosum hypoplasia have been described (reviews). So far, different heterozygous missense, splice, nonsense and frame shift variants have been described as clearly causing the disease.